The following is an entry in ClinVar:

ClinVar aggregate classification (germline): Likely benign. Review status: criteria provided, multiple submitters, no conflicts (2 of 4 stars). 2 submissions from 2 submitters: Likely benign (2). Last evaluated 2026-01-13.

Allele frequency attached by ClinVar (database versions not stated): gnomAD exomes below 0.00001 and 0.00003; TOPMed 0.00002; gnomAD 0.00006.
gnomAD v4.1: 46 of 1,613,256 alleles (0.0029%); highest among the groups gnomAD compares: East Asian, 0.0045%; no homozygotes.

Submissions (2):

Labcorp Genetics (formerly Invitae), Labcorp
Classification: Likely benign. Last evaluated: 2026-01-13. Review status: criteria provided, single submitter. Criteria: Invitae Variant Classification Sherloc (09022015). Collection method: clinical testing. Allele origin: germline.

GeneDx
Classification: Likely benign. Last evaluated: 2018-06-11. Review status: criteria provided, single submitter. Criteria: GeneDx Variant Classification (06012015). Collection method: clinical testing. Allele origin: germline. Affected: yes.
Comment: This variant is considered likely benign or benign based on one or more of the following criteria: it is a conservative change, it occurs at a poorly conserved position in the protein, it is predicted to be benign by multiple in silico algorithms, and/or has population frequency not consistent with disease.

NM_005726.6(TSFM):c.484-6A>G

Gene: TSFM (Ts translation elongation factor, mitochondrial; plus strand). Cytogenetic location: 12q14.1.
Variant type: single nucleotide variant.
Coding change: c.484-6A>G on transcript NM_005726.6 (MANE Select); 6 bases into the intron before coding-DNA position 484, A replaced by G.
Molecular consequence: intron variant.
Genome position (GRCh38, 1-based): chr12:57,792,980, A>G. VCF-style: chr12-57792980-A-G. GRCh37 (hg19) VCF-style: chr12-58186763-A-G.
Other names: c.484-6A>G (NM_001172697.2); c.547-6A>G (NM_001172696.2); c.484-3197A>G (NM_001172695.2).
Identifiers: ClinVar variation 668504 (VCV000668504.9), dbSNP rs775442169, ClinGen allele CA237836531.
Genomic context (GRCh38, chr12:57,792,980, plus strand): 5'-TGCCTATTCTTTTGATAATTTGAATAGTACAGAATCAGTTCATGTTTGTTTTCTTCGTGC[A>G]CTTAGGGTTTCTTGAATTCCTCTGAGCTTTCTGGACTTCCAGCTGGGCCTGACAGAGAAG-3'